The following is an entry in ClinVar:

ClinVar aggregate classification (germline): Likely benign (0 of 4 stars; one submission).

Conditions:
SEPTIN12-related disorder. Also called: SEPTIN12-related condition.

Allele frequency attached by ClinVar (database versions not stated): 1000 Genomes Project 30x 0.00047; 1000 Genomes Project 0.00060.
gnomAD v4.1: 43 of 1,614,212 alleles (0.0027%); highest among the groups gnomAD compares: East Asian, 0.08%; no homozygotes.

Submission:

PreventionGenetics, part of Exact Sciences
Classification: Likely benign for SEPTIN12-related condition. Last evaluated: 2019-09-18. Review status: no assertion criteria provided. Collection method: clinical testing. Allele origin: germline.
Comment: This variant is classified as likely benign based on ACMG/AMP sequence variant interpretation guidelines (Richards et al. 2015 PMID: 25741868, with internal and published modifications).

NM_144605.5(SEPTIN12):c.666C>G (p.Val222=)

Gene: SEPTIN12 (septin 12; minus strand). Cytogenetic location: 16p13.3.
Variant type: single nucleotide variant.
Coding change: c.666C>G on transcript NM_144605.5 (MANE Select); coding-DNA position 666, C replaced by G.
Protein change: p.Val222=; no amino-acid change (valine 222 retained).
Molecular consequence: synonymous variant.
Genome position (GRCh38, 1-based): chr16:4,783,522, G>C on the plus strand (C>G on the coding strand, the complement: SEPTIN12 is on the minus strand). VCF-style: chr16-4783522-G-C. GRCh37 (hg19) VCF-style: chr16-4833523-G-C.
Other names: c.528C>G, p.Val176= (NM_001154458.3).
Identifiers: ClinVar variation 3040240 (VCV003040240.2), dbSNP rs574562030, ClinGen allele CA7881938.